The following is an entry in ClinVar:

NM_017654.4(SAMD9):c.3651dup (p.Asp1218Ter)

Gene: SAMD9 (sterile alpha motif domain containing 9; minus strand). Cytogenetic location: 7q21.2.
Variant type: Duplication.
Coding change: c.3651dup on transcript NM_017654.4 (MANE Select); coding-DNA position 3651, one base duplicated (T; older notation c.3651dupT).
Protein change: p.Asp1218Ter; replaces aspartic acid 1218 with a stop codon.
Molecular consequence: nonsense.
Genome position (GRCh38, 1-based): chr7:93,102,447, A duplicated on the plus strand (T on the coding strand, the reverse complement: SAMD9 is on the minus strand); the first of 7 consecutive A bases (chr7:93,102,447-93,102,453); duplicating any one gives the same sequence. VCF-style (leftmost placement, unchanged base first): chr7-93102446-C-CA. GRCh37 (hg19) VCF-style: chr7-92731759-C-CA.
Other names: c.3651dup (NM_017654.3); c.3651dupT (NM_001193307.1); c.3651dup, p.Asp1218Ter (NM_001193307.2); short protein forms D1218*.
Identifiers: ClinVar variation 554715 (VCV000554715.21), dbSNP rs199887936, ClinGen allele CA4342667.

ClinVar aggregate classification (germline): Benign/Likely benign. Review status: criteria provided, multiple submitters, no conflicts (2 of 4 stars). 5 submissions from 5 submitters: Benign (2); Likely benign (1). 2 of the submissions do not count toward it. Last evaluated 2026-02-02.

Conditions:
Normophosphatemic familial tumoral calcinosis. Also called: CALCINOSIS, TUMORAL, WITH NORMOPHOSPHATEMIA. Identifiers: Orphanet 306658, Orphanet 53715, MedGen C1864861, MONDO:0012502, OMIM 610455.
MIRAGE syndrome. Also called: MYELODYSPLASIA, INFECTION, RESTRICTION OF GROWTH, ADRENAL HYPOPLASIA, GENITAL PHENOTYPES, AND ENTEROPATHY. Identifiers: Orphanet 494433, MedGen C4284088, MONDO:0014888, OMIM 617053.
Monosomy 7 myelodysplasia and leukemia syndrome 2. Identifiers: MedGen C5436668, MONDO:0030801, OMIM 619041.
SAMD9-related disorder. Also called: SAMD9-related condition.

Submissions (5):

Labcorp Genetics (formerly Invitae), Labcorp
Classification: Benign. Last evaluated: 2026-02-02. Review status: criteria provided, single submitter. Criteria: Invitae Variant Classification Sherloc (09022015). Collection method: clinical testing. Allele origin: germline.

Fulgent Genetics
Classification: Likely benign for Normophosphatemic familial tumoral calcinosis; MIRAGE syndrome; Monosomy 7 myelodysplasia and leukemia syndrome 2. Last evaluated: 2021-11-16. Review status: criteria provided, single submitter. Criteria: ACMG Guidelines, 2015. Collection method: clinical testing. Allele origin: unknown.

Genetic Services Laboratory, University of Chicago
Classification: Benign. Last evaluated: 2018-06-22. Review status: criteria provided, single submitter. Criteria: ACMG Guidelines, 2015. Collection method: clinical testing. Allele origin: germline. Affected: no.

PreventionGenetics, part of Exact Sciences
Classification: Likely benign for SAMD9-related condition. Last evaluated: 2024-05-30. Review status: no assertion criteria provided. Collection method: clinical testing. Allele origin: germline. Not counted in ClinVar's aggregate classification.
Comment: This variant is classified as likely benign based on ACMG/AMP sequence variant interpretation guidelines (Richards et al. 2015 PMID: 25741868, with internal and published modifications).

Counsyl
Classification: Likely benign for Normophosphatemic familial tumoral calcinosis. Last evaluated: 2017-11-01. Review status: no assertion criteria provided. Collection method: clinical testing. Allele origin: unknown. Not counted in ClinVar's aggregate classification.